The following is an entry in ClinVar:

ClinVar aggregate classification (germline): Uncertain significance (1 of 4 stars; one submission).

Conditions:
Hyperkalemic periodic paralysis. Also called: Familial hyperkalemic periodic paralysis; Gamstorp disease. Identifiers: Orphanet 682, MedGen C0238357, MONDO:0008224, OMIM 170500, HP:0007215.

Submission:

Labcorp Genetics (formerly Invitae), Labcorp
Classification: Uncertain significance for Hyperkalemic periodic paralysis. Last evaluated: 2021-03-10. Review status: criteria provided, single submitter. Criteria: Invitae Variant Classification Sherloc (09022015). Collection method: clinical testing. Allele origin: germline.
Comment: This sequence change replaces threonine with serine at codon 704 of the SCN4A protein (p.Thr704Ser). The threonine residue is highly conserved and there is a small physicochemical difference between threonine and serine. This variant is not present in population databases (ExAC no frequency). This variant has not been reported in the literature in individuals with SCN4A-related conditions. Algorithms developed to predict the effect of missense changes on protein structure and function (SIFT, PolyPhen-2, Align-GVGD) all suggest that this variant is likely to be disruptive, but these predictions have not been confirmed by published functional studies and their clinical significance is uncertain. This variant disrupts the p.Thr704 amino acid residue in SCN4A. Other variant(s) that disrupt this residue (p.Thr704Met) have been observed in individuals with SCN4A-related conditions (PMID: 26256659, 15642860, 19077043, 17395131, 22253644), suggesting that it is a clinically significant residue. As a result, variants that disrupt this residue are likely to be causative of disease. In summary, the available evidence is currently insufficient to determine the role of this variant in disease. Therefore, it has been classified as a Variant of Uncertain Significance.

Literature cited by the submitters: PubMed 26256659; PubMed 15642860; PubMed 19077043; PubMed 17395131; PubMed 22253644.

NM_000334.4(SCN4A):c.2110A>T (p.Thr704Ser)

Genes: SCN4A (sodium voltage-gated channel alpha subunit 4; minus strand), GH-LCR (growth hormone locus control region; plus strand). Cytogenetic location: 17q23.3.
Variant type: single nucleotide variant.
Coding change: c.2110A>T on transcript NM_000334.4 (MANE Select); coding-DNA position 2110, A replaced by T.
Protein change: p.Thr704Ser; replaces threonine 704 with serine.
Molecular consequence: missense variant.
Genome position (GRCh38, 1-based): chr17:63,957,428, T>A on the plus strand (A>T on the coding strand, the complement: SCN4A is on the minus strand). VCF-style: chr17-63957428-T-A. GRCh37 (hg19) VCF-style: chr17-62034788-T-A.
Other names: short protein forms T704S.
Identifiers: ClinVar variation 847225 (VCV000847225.10), dbSNP rs1909105230, ClinGen allele CA400631115.
Genomic context (GRCh38, chr17:63,957,428, plus strand): 5'-TGCCAAACAGCTGCATGCCCACCACGGCGAAGATGAACACGATGATAGCCAGCACCAGCG[T>A]CAGGTTACCCAGCGCCCCCACTGAATTGCCAATGATCTTGATGAGCATGTTCAGCGTTGG-3'
Protein context (NP_000325.4, residues 694-714): GNSVGALGNL[Thr704Ser]LVLAIIVFIF